The following is an entry in ClinVar:

NM_001372044.2(SHANK3):c.5240A>C (p.Asp1747Ala)

Gene: SHANK3 (SH3 and multiple ankyrin repeat domains 3; plus strand). Cytogenetic location: 22q13.33.
Variant type: single nucleotide variant.
Coding change: c.5240A>C on transcript NM_001372044.2 (MANE Select); coding-DNA position 5240, A replaced by C.
Protein change: p.Asp1747Ala; replaces aspartic acid 1747 with alanine.
Molecular consequence: missense variant.
Genome position (GRCh38, 1-based): chr22:50,731,131, A>C. VCF-style: chr22-50731131-A-C. GRCh37 (hg19) VCF-style: chr22-51169559-A-C.
Other names: short protein forms D1747A.
Identifiers: ClinVar variation 3777082 (VCV003777082.1).

ClinVar aggregate classification (germline): Uncertain significance (1 of 4 stars; one submission).

Conditions:
Phelan-McDermid syndrome. Also called: Phelan-McDermid Syndrome-SHANK3 Related; TELOMERIC 22q13 MONOSOMY SYNDROME; 22q13.3 deletion syndrome. Identifiers: Orphanet 48652, MedGen C1853490, MONDO:0011652, OMIM 606232.

Submission:

University of Washington Department of Laboratory Medicine, University of Washington
Classification: Uncertain significance for Phelan-McDermid syndrome. Last evaluated: 2023-09-13. Review status: criteria provided, single submitter. Criteria: ACMG Guidelines, 2015. Collection method: clinical testing. Allele origin: de novo. Affected: yes.
Comment: This variant was absent from large population databases, including the Genome Aggregation Database. The SHANK3 gene has fewer missense variants in the general population than expected. A low rate of missense variation may suggest that this gene is intolerant to missense variation. In silico tools do not consistently predict if the p.His1747Pro variant impacts protein function; however, these predictions have not been tested directly. Using ACMG guidelines, this variant was classified as a variant of uncertain significance (ACMG evidence codes used: PS2_moderate, PM2_supporting, PP2).